The following is an entry in ClinVar:

NM_001127208.3(TET2):c.2909C>G (p.Thr970Ser)

Genes: TET2 (tet methylcytosine dioxygenase 2; plus strand), TET2-AS1 (TET2 antisense RNA 1; minus strand). Cytogenetic location: 4q24.
Variant type: single nucleotide variant.
Coding change: c.2909C>G on transcript NM_001127208.3 (MANE Select); coding-DNA position 2909, C replaced by G.
Protein change: p.Thr970Ser; replaces threonine 970 with serine.
Molecular consequence: missense variant.
Genome position (GRCh38, 1-based): chr4:105,236,851, C>G. VCF-style: chr4-105236851-C-G. GRCh37 (hg19) VCF-style: chr4-106158008-C-G.
Other names: c.2909C>G, p.Thr970Ser (NM_017628.4); short protein forms T970S.
Identifiers: ClinVar variation 2018687 (VCV002018687.5), dbSNP rs2476505738, ClinGen allele CA357800807.

ClinVar aggregate classification (germline): Conflicting classifications of pathogenicity. Review status: criteria provided, conflicting classifications (1 of 4 stars). 2 submissions from 2 submitters: Uncertain significance (1); Likely benign (1). Last evaluated 2025-06-19.

gnomAD v4.1: 1 of 1,614,152 alleles (0.000062%); no homozygotes.

Submissions (2):

Ambry Genetics
Classification: Likely benign. Last evaluated: 2025-06-19. Review status: criteria provided, single submitter. Criteria: Ambry Variant Classification Scheme 2023. Collection method: clinical testing. Allele origin: germline.

Labcorp Genetics (formerly Invitae), Labcorp
Classification: Uncertain significance. Last evaluated: 2022-07-21. Review status: criteria provided, single submitter. Criteria: Invitae Variant Classification Sherloc (09022015). Collection method: clinical testing. Allele origin: germline.
Comment: This sequence change replaces threonine, which is neutral and polar, with serine, which is neutral and polar, at codon 970 of the TET2 protein (p.Thr970Ser). This variant is not present in population databases (gnomAD no frequency). This variant has not been reported in the literature in individuals affected with TET2-related conditions. Algorithms developed to predict the effect of missense changes on protein structure and function output the following: SIFT: "Tolerated"; PolyPhen-2: "Benign"; Align-GVGD: "Class C0". The serine amino acid residue is found in multiple mammalian species, which suggests that this missense change does not adversely affect protein function. In summary, the available evidence is currently insufficient to determine the role of this variant in disease. Therefore, it has been classified as a Variant of Uncertain Significance.